The following is an entry in ClinVar:

NM_007294.4(BRCA1):c.1228G>C (p.Ala410Pro)

Gene: BRCA1 (BRCA1 DNA repair associated; minus strand). Cytogenetic location: 17q21.31.
Variant type: single nucleotide variant.
Coding change: c.1228G>C on transcript NM_007294.4 (MANE Select); coding-DNA position 1228, G replaced by C.
Protein change: p.Ala410Pro; replaces alanine 410 with proline.
Molecular consequence: missense variant. On other transcripts: intron variant (137).
Genome position (GRCh38, 1-based): chr17:43,094,303, C>G on the plus strand (G>C on the coding strand, the complement: BRCA1 is on the minus strand). VCF-style: chr17-43094303-C-G. GRCh37 (hg19) VCF-style: chr17-41246320-C-G.
Other names: c.664+441G>C (NM_001408442.1, NM_001408426.1, NM_001408436.1 and 12 more transcripts); c.1084G>C, p.Ala362Pro (NM_001407848.1, NM_001407849.1, NM_001407740.1 and 20 more transcripts); c.1087G>C, p.Ala363Pro (NM_001407851.1, NM_001407852.1, NM_001407850.1 and 29 more transcripts); c.1015G>C, p.Ala339Pro (NM_001407853.1, NM_001407571.1, NM_001407894.1 and 9 more transcripts); c.787+441G>C (NM_001407982.1, NM_001407970.1, NM_001407980.1 and 19 more transcripts); c.652+441G>C (NM_001408451.1); c.643+441G>C (NM_001408464.1, NM_001408468.1, NM_001408465.1 and 3 more transcripts); c.523+441G>C (NM_001408498.1, NM_001408501.1, NM_001408500.1 and 3 more transcripts); and 40 more; short protein forms A299P, A343P, A368P, A410P, A242P, A340P, A363P, A369P.
Identifiers: ClinVar variation 1754889 (VCV001754889.7), dbSNP rs779974365, ClinGen allele CA10599596.

ClinVar aggregate classification (germline): Conflicting classifications of pathogenicity. Review status: criteria provided, conflicting classifications (1 of 4 stars). 3 submissions from 3 submitters: Uncertain significance (2); Likely benign (1). Last evaluated 2025-02-27.

Conditions:
Hereditary breast ovarian cancer syndrome. Also called: Hereditary breast and ovarian cancer syndrome (HBOC); Hereditary breast and ovarian cancer; BRCA1- and BRCA2-Associated Hereditary Breast and Ovarian Cancer; Hereditary breast and ovarian cancer syndrome; Breast and ovarian cancer; Hereditary breast and/or ovarian cancer syndrome. Identifiers: Orphanet 145, MedGen C0677776, MeSH D061325, MONDO:0003582. Disease mechanism: loss of function.
Hereditary cancer-predisposing syndrome. Also called: Neoplastic Syndromes, Hereditary; Tumor predisposition; Hereditary Cancer Syndrome; Hereditary neoplastic syndrome. Identifiers: Orphanet 140162, MedGen C0027672, MeSH D009386, MONDO:0015356.

gnomAD v4.1: 1 of 1,614,158 alleles (0.000062%); highest among the groups gnomAD compares: Non-Finnish European, 0.000085%; no homozygotes.

Submissions (3):

Labcorp Genetics (formerly Invitae), Labcorp
Classification: Uncertain significance for Hereditary breast ovarian cancer syndrome. Last evaluated: 2025-02-27. Review status: criteria provided, single submitter. Criteria: Invitae Variant Classification Sherloc (09022015). Collection method: clinical testing. Allele origin: germline.
Comment: This sequence change replaces alanine, which is neutral and non-polar, with proline, which is neutral and non-polar, at codon 410 of the BRCA1 protein (p.Ala410Pro). This variant is not present in population databases (gnomAD no frequency). This variant has not been reported in the literature in individuals affected with BRCA1-related conditions. ClinVar contains an entry for this variant (Variation ID: 1754889). Invitae Evidence Modeling of protein sequence and biophysical properties (such as structural, functional, and spatial information, amino acid conservation, physicochemical variation, residue mobility, and thermodynamic stability) indicates that this missense variant is not expected to disrupt BRCA1 protein function with a negative predictive value of 80%. In summary, the available evidence is currently insufficient to determine the role of this variant in disease. Therefore, it has been classified as a Variant of Uncertain Significance.

University of Washington Department of Laboratory Medicine, University of Washington
Classification: Likely benign for Hereditary cancer-predisposing syndrome. Last evaluated: 2023-03-23. Review status: criteria provided, single submitter. Criteria: Dines et al. (Genet Med. 2020). Collection method: curation. Allele origin: germline.
Comment: Missense variant in a coldspot region where missense variants are very unlikely to be pathogenic (PMID:31911673).

BRCA1 coldspot (exon 11 using historical exon numbering). Reclassification based on statistical prior probability

Ambry Genetics
Classification: Uncertain significance for Hereditary cancer-predisposing syndrome. Last evaluated: 2022-06-13. Review status: criteria provided, single submitter. Criteria: Ambry Variant Classification Scheme 2023. Collection method: clinical testing. Allele origin: germline.
Comment: The p.A410P variant (also known as c.1228G>C), located in coding exon 9 of the BRCA1 gene, results from a G to C substitution at nucleotide position 1228. The alanine at codon 410 is replaced by proline, an amino acid with highly similar properties. This amino acid position is conserved. In addition, the in silico prediction for this alteration is inconclusive. Since supporting evidence is limited at this time, the clinical significance of this alteration remains unclear.